The following is an entry in ClinVar:

NM_000387.6(SLC25A20):c.899A>G (p.Asn300Ser)

Gene: SLC25A20 (solute carrier family 25 member 20; minus strand). Cytogenetic location: 3p21.31.
Variant type: single nucleotide variant.
Coding change: c.899A>G on transcript NM_000387.6 (MANE Select); coding-DNA position 899, A replaced by G.
Protein change: p.Asn300Ser; replaces asparagine 300 with serine.
Molecular consequence: missense variant.
Genome position (GRCh38, 1-based): chr3:48,857,717, T>C on the plus strand (A>G on the coding strand, the complement: SLC25A20 is on the minus strand). VCF-style: chr3-48857717-T-C. GRCh37 (hg19) VCF-style: chr3-48895150-T-C.
Other names: short protein forms N300S.
Identifiers: ClinVar variation 2861659 (VCV002861659.3), dbSNP rs2083590517, ClinGen allele CA352625664.

ClinVar aggregate classification (germline): Uncertain significance (1 of 4 stars; one submission).

Conditions:
Carnitine acylcarnitine translocase deficiency (CACTD). Identifiers: Orphanet 159, MedGen C0342791, MONDO:0008918, OMIM 212138.

Allele frequency attached by ClinVar (database versions not stated): TOPMed 0.00001.

Submission:

Labcorp Genetics (formerly Invitae), Labcorp
Classification: Uncertain significance for Carnitine acylcarnitine translocase deficiency. Last evaluated: 2023-03-10. Review status: criteria provided, single submitter. Criteria: Invitae Variant Classification Sherloc (09022015). Collection method: clinical testing. Allele origin: germline.
Comment: In summary, the available evidence is currently insufficient to determine the role of this variant in disease. Therefore, it has been classified as a Variant of Uncertain Significance. An algorithm developed to predict the effect of missense changes on protein structure and function (PolyPhen-2) suggests that this variant is likely to be tolerated. This variant has not been reported in the literature in individuals affected with SLC25A20-related conditions. This variant is not present in population databases (gnomAD no frequency). This sequence change replaces asparagine, which is neutral and polar, with serine, which is neutral and polar, at codon 300 of the SLC25A20 protein (p.Asn300Ser).